The following is an entry in ClinVar:

ClinVar aggregate classification (germline): Uncertain significance (1 of 4 stars; one submission).

Allele frequency attached by ClinVar (database versions not stated): gnomAD 0.00001; gnomAD exomes 0.00001; TOPMed 0.00001.
gnomAD v4.1: 12 of 1,613,366 alleles (0.00074%); highest among the groups gnomAD compares: African/African-American, 0.004%; no homozygotes.

Submission:

GeneDx
Classification: Uncertain significance. Last evaluated: 2020-06-30. Review status: criteria provided, single submitter. Criteria: GeneDx Variant Classification Process June 2021. Collection method: clinical testing. Allele origin: germline. Affected: yes.
Comment: Nonsense variant predicted to result in protein truncation or nonsense mediated decay in a gene for which loss-of-function is a known mechanism of disease; Has not been previously published as pathogenic or benign to our knowledge

NM_003504.5(CDC45):c.523C>T (p.Arg175Ter)

Gene: CDC45 (cell division cycle 45; plus strand). Cytogenetic location: 22q11.21.
Variant type: single nucleotide variant.
Coding change: c.523C>T on transcript NM_003504.5 (MANE Select); coding-DNA position 523, C replaced by T.
Protein change: p.Arg175Ter; replaces arginine 175 with a stop codon.
Molecular consequence: nonsense. On other transcripts: non-coding transcript variant (1).
Genome position (GRCh38, 1-based): chr22:19,494,363, C>T. VCF-style: chr22-19494363-C-T. GRCh37 (hg19) VCF-style: chr22-19481886-C-T.
Other names: c.523C>T, p.Arg175Ter (NM_001178010.2); c.385C>T, p.Arg129Ter (NM_001178011.2); c.487C>T, p.Arg163Ter (NM_001369291.1); short protein forms R129*, R163*, R175*.
Identifiers: ClinVar variation 1312748 (VCV001312748.2), dbSNP rs913329845, ClinGen allele CA322051788.